The following is an entry in ClinVar:

NM_052844.4(DYNC2I2):c.546-3C>T

Gene: DYNC2I2 (dynein 2 intermediate chain 2; minus strand). Cytogenetic location: 9q34.11.
Variant type: single nucleotide variant.
Coding change: c.546-3C>T on transcript NM_052844.4 (MANE Select); 3 bases into the intron before coding-DNA position 546, C replaced by T.
Molecular consequence: intron variant.
Genome position (GRCh38, 1-based): chr9:128,636,441, G>A on the plus strand (C>T on the coding strand, the complement: DYNC2I2 is on the minus strand). VCF-style: chr9-128636441-G-A. GRCh37 (hg19) VCF-style: chr9-131398720-G-A.
Identifiers: ClinVar variation 2079934 (VCV002079934.4), dbSNP rs2542438586, ClinGen allele CA2580079804.
Genomic context (GRCh38, chr9:128,636,441, plus strand): 5'-GTCCAGGTTCCAGGCACACACGAAGGACTTAAGCGTGCTCCAGTCCCCATGGTCCAGCCT[G>A]TGCAGGGACAGGCTTGAGCCGGCTGTGCCCCTGGGTGGGGCTCCTATCACCCACCCCACC-3'

ClinVar aggregate classification (germline): Uncertain significance (1 of 4 stars; one submission).

Conditions:
Short-rib thoracic dysplasia 11 with or without polydactyly (SRTD11). Also called: SHORT-RIB THORACIC DYSPLASIA 11 WITHOUT POLYDACTYLY. Identifiers: Orphanet 474, Orphanet 93271, MedGen C3810200, MONDO:0014287, OMIM 615633.

Submission:

Labcorp Genetics (formerly Invitae), Labcorp
Classification: Uncertain significance for Short-rib thoracic dysplasia 11 with or without polydactyly. Last evaluated: 2022-07-12. Review status: criteria provided, single submitter. Criteria: Invitae Variant Classification Sherloc (09022015). Collection method: clinical testing. Allele origin: germline.
Comment: This sequence change falls in intron 3 of the WDR34 gene. It does not directly change the encoded amino acid sequence of the WDR34 protein. It affects a nucleotide within the consensus splice site. This variant is not present in population databases (gnomAD no frequency). This variant has not been reported in the literature in individuals affected with WDR34-related conditions. Variants that disrupt the consensus splice site are a relatively common cause of aberrant splicing (PMID: 17576681, 9536098). Algorithms developed to predict the effect of sequence changes on RNA splicing suggest that this variant is not likely to affect RNA splicing. In summary, the available evidence is currently insufficient to determine the role of this variant in disease. Therefore, it has been classified as a Variant of Uncertain Significance.

Literature cited by the submitters: PubMed 17576681; PubMed 9536098.